The following is an entry in ClinVar:

ClinVar aggregate classification (germline): Uncertain significance. Review status: criteria provided, multiple submitters, no conflicts (2 of 4 stars). 2 submissions from 2 submitters: Uncertain significance (2). Last evaluated 2022-10-04.

Allele frequency attached by ClinVar (database versions not stated): ExAC 0.00003; gnomAD 0.00003; TOPMed 0.00004; ESP Exome Variant Server 0.00008.
gnomAD v4.1: 11 of 1,613,434 alleles (0.00068%); highest among the groups gnomAD compares: African/African-American, 0.008%; no homozygotes.

Submissions (2):

Athena Diagnostics
Classification: Uncertain significance. Last evaluated: 2022-10-04. Review status: criteria provided, single submitter. Criteria: Athena Diagnostics Criteria. Collection method: clinical testing. Allele origin: unknown.
Comment: Available data are insufficient to determine the clinical significance of the variant at this time. The frequency of this variant in the general population is uninformative in assessment of its pathogenicity. Computational tools predict that this variant is not damaging.

Revvity Omics, Revvity
Classification: Uncertain significance. Last evaluated: 2019-06-04. Review status: criteria provided, single submitter. Criteria: ACMG Guidelines, 2015. Collection method: clinical testing. Allele origin: germline.

NM_005529.7(HSPG2):c.12521G>A (p.Arg4174His)

Gene: HSPG2 (heparan sulfate proteoglycan 2; minus strand). Cytogenetic location: 1p36.12.
Variant type: single nucleotide variant.
Coding change: c.12521G>A on transcript NM_005529.7 (MANE Select); coding-DNA position 12521, G replaced by A.
Protein change: p.Arg4174His; replaces arginine 4174 with histidine.
Molecular consequence: missense variant.
Genome position (GRCh38, 1-based): chr1:21,828,041, C>T on the plus strand (G>A on the coding strand, the complement: HSPG2 is on the minus strand). VCF-style: chr1-21828041-C-T. GRCh37 (hg19) VCF-style: chr1-22154534-C-T.
Other names: c.12524G>A, p.Arg4175His (NM_001291860.2); c.12521G>A (NM_005529.6); short protein forms R4174H, R4175H.
Identifiers: ClinVar variation 2432639 (VCV002432639.4), dbSNP rs377610859, ClinGen allele CA669415.